The following is an entry in ClinVar:

NM_001369369.1(FOXN1):c.9G>A (p.Ser3=)

Gene: FOXN1 (forkhead box N1; plus strand). Cytogenetic location: 17q11.2.
Variant type: single nucleotide variant.
Coding change: c.9G>A on transcript NM_001369369.1 (MANE Select); coding-DNA position 9, G replaced by A.
Protein change: p.Ser3=; no amino-acid change (serine 3 retained).
Molecular consequence: synonymous variant.
Genome position (GRCh38, 1-based): chr17:28,523,978, G>A. VCF-style: chr17-28523978-G-A. GRCh37 (hg19) VCF-style: chr17-26850996-G-A.
Other names: c.9G>A, p.Ser3= (NM_003593.3).
Identifiers: ClinVar variation 468555 (VCV000468555.12), dbSNP rs146390262, ClinGen allele CA8459112.

ClinVar aggregate classification (germline): Benign/Likely benign. Review status: criteria provided, multiple submitters, no conflicts (2 of 4 stars). 3 submissions from 3 submitters: Benign (1); Likely benign (2). Last evaluated 2026-01-28.

Conditions:
T-cell immunodeficiency, congenital alopecia, and nail dystrophy. Also called: Congenital alopecia and nail dystrophy associated with severe functional T-cell immunodeficiency; Pignata Guarino syndrome. Identifiers: OMIM 601705, Orphanet 169095, MedGen C1866426, MONDO:0011132.

Allele frequency attached by ClinVar (database versions not stated): gnomAD exomes 0.00024 and 0.00081; ExAC 0.00106; 1000 Genomes Project 0.00240; 1000 Genomes Project 30x 0.00250; gnomAD 0.00277 and 0.00295; TOPMed 0.00325; ESP Exome Variant Server 0.00400.
gnomAD v4.1: 780 of 1,612,554 alleles (0.048%); highest among the groups gnomAD compares: African/African-American, 0.9%; 1 homozygote.

Submissions (3):

Labcorp Genetics (formerly Invitae), Labcorp
Classification: Benign for T-cell immunodeficiency, congenital alopecia, and nail dystrophy. Last evaluated: 2026-01-28. Review status: criteria provided, single submitter. Criteria: Invitae Variant Classification Sherloc (09022015). Collection method: clinical testing. Allele origin: germline.

Blueprint Genetics
Classification: Likely benign. Last evaluated: 2024-11-22. Review status: criteria provided, single submitter. Criteria: ACMG Guidelines, 2015. Collection method: clinical testing. Allele origin: germline.

GeneDx
Classification: Likely benign. Last evaluated: 2017-09-21. Review status: criteria provided, single submitter. Criteria: GeneDx Variant Classification (06012015). Collection method: clinical testing. Allele origin: germline. Affected: yes.
Comment: This variant is considered likely benign or benign based on one or more of the following criteria: it is a conservative change, it occurs at a poorly conserved position in the protein, it is predicted to be benign by multiple in silico algorithms, and/or has population frequency not consistent with disease.